The following is an entry in ClinVar:

ClinVar aggregate classification (germline): Conflicting classifications of pathogenicity. Review status: criteria provided, conflicting classifications (1 of 4 stars). 7 submissions from 5 submitters: Uncertain significance (6); Likely benign (1). Last evaluated 2025-03-20.

Conditions:
Inborn genetic diseases. Identifiers: MedGen C0950123, MeSH D030342.
CRB1-related disorder. Also called: CRB1-related condition; CRB1-related disorders.
Leber congenital amaurosis 8 (LCA8). Identifiers: Orphanet 65, MedGen C3151202, MONDO:0013453, OMIM 613835.
Retinitis pigmentosa 12 (RP12). Also called: RP WITH OR WITHOUT PPRPE; RP WITH OR WITHOUT PRESERVED PARAARTERIOLE RETINAL PIGMENT EPITHELIUM; RETINITIS PIGMENTOSA WITH OR WITHOUT PARAARTERIOLAR PRESERVATION OF RETINAL PIGMENT EPITHELIUM. Identifiers: Orphanet 791, MedGen C1838647, MONDO:0010818, OMIM 600105.
Retinitis pigmentosa (RP). Identifiers: Orphanet 791, MedGen C0035334, MeSH D012174, MONDO:0019200, OMIM 268000. Inheritance: Autosomal dominant, autosomal recessive and X linked inheritance.
Pigmented paravenous retinochoroidal atrophy. Identifiers: Orphanet 251295, MedGen C1868310, MONDO:0008246, OMIM 172870.

Allele frequency attached by ClinVar (database versions not stated): gnomAD 0.00001; ExAC 0.00002; gnomAD exomes 0.00002; TOPMed 0.00002; ESP Exome Variant Server 0.00008.
gnomAD v4.1: 24 of 1,614,058 alleles (0.0015%); highest among the groups gnomAD compares: Non-Finnish European, 0.0018%; no homozygotes.

Submissions (7):

PreventionGenetics, part of Exact Sciences
Classification: Uncertain significance for CRB1-related condition. Last evaluated: 2025-03-20. Review status: criteria provided, single submitter. Criteria: ACMG Guidelines, 2015. Collection method: clinical testing. Allele origin: germline.
Comment: The CRB1 c.265C>T variant is predicted to result in the amino acid substitution p.Pro89Ser. To our knowledge, this variant has not been reported in the literature. This variant is present in 0.0035% of alleles in individuals of European (Non-Finnish) descent in gnomAD. At this time, the clinical significance of this variant is uncertain due to the absence of conclusive functional and genetic evidence.

Blueprint Genetics
Classification: Uncertain significance. Last evaluated: 2024-08-07. Review status: criteria provided, single submitter. Criteria: ACMG Guidelines, 2015. Collection method: clinical testing. Allele origin: germline.

Labcorp Genetics (formerly Invitae), Labcorp
Classification: Uncertain significance for Leber congenital amaurosis 8; Retinitis pigmentosa 12. Last evaluated: 2023-07-17. Review status: criteria provided, single submitter. Criteria: Invitae Variant Classification Sherloc (09022015). Collection method: clinical testing. Allele origin: germline.
Comment: This sequence change replaces proline, which is neutral and non-polar, with serine, which is neutral and polar, at codon 89 of the CRB1 protein (p.Pro89Ser). This variant is present in population databases (rs145525029, gnomAD 0.004%). This variant has not been reported in the literature in individuals affected with CRB1-related conditions. ClinVar contains an entry for this variant (Variation ID: 876296). Advanced modeling of protein sequence and biophysical properties (such as structural, functional, and spatial information, amino acid conservation, physicochemical variation, residue mobility, and thermodynamic stability) performed at Invitae indicates that this missense variant is expected to disrupt CRB1 protein function. In summary, the available evidence is currently insufficient to determine the role of this variant in disease. Therefore, it has been classified as a Variant of Uncertain Significance.

Ambry Genetics
Classification: Uncertain significance for Inborn genetic diseases. Last evaluated: 2023-01-26. Review status: criteria provided, single submitter. Criteria: Ambry Variant Classification Scheme 2023. Collection method: clinical testing. Allele origin: germline.

Illumina Laboratory Services, Illumina
Classification: Likely benign for Pigmented paravenous retinochoroidal atrophy. Last evaluated: 2018-01-13. Review status: criteria provided, single submitter. Criteria: ICSL Variant Classification Criteria 13 December 2019. Collection method: clinical testing. Allele origin: germline.
Comment: This variant was observed in the ICSL laboratory as part of a predisposition screen in an ostensibly healthy population. It had not been previously curated by ICSL or reported in the Human Gene Mutation Database (HGMD: prior to June 1st, 2018), and was therefore a candidate for classification through an automated scoring system. Utilizing variant allele frequency, disease prevalence and penetrance estimates, and inheritance mode, an automated score was calculated to assess if this variant is too frequent to cause the disease. Based on the score and internal cut-off values, a variant classified as likely benign is not then subjected to further curation. The score for this variant resulted in a classification of likely benign for this disease.

Illumina Laboratory Services, Illumina
Classification: Uncertain significance for Leber congenital amaurosis 8. Last evaluated: 2018-01-13. Review status: criteria provided, single submitter. Criteria: ICSL Variant Classification Criteria 13 December 2019. Collection method: clinical testing. Allele origin: germline.

Illumina Laboratory Services, Illumina
Classification: Uncertain significance for Retinitis pigmentosa. Last evaluated: 2018-01-13. Review status: criteria provided, single submitter. Criteria: ICSL Variant Classification Criteria 13 December 2019. Collection method: clinical testing. Allele origin: germline.

NM_201253.3(CRB1):c.265C>T (p.Pro89Ser)

Gene: CRB1 (crumbs cell polarity complex component 1; plus strand). Cytogenetic location: 1q31.3.
Variant type: single nucleotide variant.
Coding change: c.265C>T on transcript NM_201253.3 (MANE Select); coding-DNA position 265, C replaced by T.
Protein change: p.Pro89Ser; replaces proline 89 with serine.
Molecular consequence: missense variant. On other transcripts: non-coding transcript variant (2).
Genome position (GRCh38, 1-based): chr1:197,328,616, C>T. VCF-style: chr1-197328616-C-T. GRCh37 (hg19) VCF-style: chr1-197297746-C-T.
Other names: c.265C>T, p.Pro89Ser (NM_001193640.2, NM_001257966.2); c.58C>T, p.Pro20Ser (NM_001257965.2); short protein forms P20S, P89S.
Identifiers: ClinVar variation 876296 (VCV000876296.10), dbSNP rs145525029, ClinGen allele CA1311602.